The following is an entry in ClinVar:

ClinVar aggregate classification (germline): Uncertain significance. Review status: criteria provided, multiple submitters, no conflicts (2 of 4 stars). 3 submissions from 3 submitters: Uncertain significance (3). Last evaluated 2025-12-22.

Allele frequency attached by ClinVar (database versions not stated): gnomAD 0.00021 and 0.00024; TOPMed 0.00022; ESP Exome Variant Server 0.00031; ExAC 0.00003; gnomAD exomes 0.00003 and 0.00005.
gnomAD v4.1: 70 of 1,610,286 alleles (0.0043%); highest among the groups gnomAD compares: African/African-American, 0.075%; 1 homozygote.

Submissions (3):

Labcorp Genetics (formerly Invitae), Labcorp
Classification: Uncertain significance. Last evaluated: 2025-12-22. Review status: criteria provided, single submitter. Criteria: Invitae Variant Classification Sherloc (09022015). Collection method: clinical testing. Allele origin: germline.
Comment: This sequence change replaces threonine, which is neutral and polar, with serine, which is neutral and polar, at codon 165 of the MOCS3 protein (p.Thr165Ser). This variant is present in population databases (rs113379039, gnomAD 0.05%). This variant has not been reported in the literature in individuals affected with MOCS3-related conditions. ClinVar contains an entry for this variant (Variation ID: 1347872). An algorithm developed to predict the effect of missense changes on protein structure and function (PolyPhen-2) suggests that this variant is likely to be tolerated. In summary, the available evidence is currently insufficient to determine the role of this variant in disease. Therefore, it has been classified as a Variant of Uncertain Significance.

Ambry Genetics
Classification: Uncertain significance. Last evaluated: 2024-01-23. Review status: criteria provided, single submitter. Criteria: Ambry Variant Classification Scheme 2023. Collection method: clinical testing. Allele origin: germline.

Breakthrough Genomics
Classification: Uncertain significance. Review status: criteria provided, single submitter. Criteria: ACMG Guidelines, 2015. Collection method: not provided. Allele origin: germline. Inheritance: Autosomal dominant inheritance. Affected: yes.

NM_014484.5(MOCS3):c.494C>G (p.Thr165Ser)

Gene: MOCS3 (molybdenum cofactor synthesis 3; plus strand). Cytogenetic location: 20q13.13.
Variant type: single nucleotide variant.
Coding change: c.494C>G on transcript NM_014484.5 (MANE Select); coding-DNA position 494, C replaced by G.
Protein change: p.Thr165Ser; replaces threonine 165 with serine.
Molecular consequence: missense variant.
Genome position (GRCh38, 1-based): chr20:50,959,336, C>G. VCF-style: chr20-50959336-C-G. GRCh37 (hg19) VCF-style: chr20-49575873-C-G.
Other names: c.494C>G (NM_014484.3); short protein forms T165S.
Identifiers: ClinVar variation 1347872 (VCV001347872.10), dbSNP rs113379039, ClinGen allele CA9909422.